The following is an entry in ClinVar:

ClinVar aggregate classification (germline): Uncertain significance. Review status: criteria provided, multiple submitters, no conflicts (2 of 4 stars). 2 submissions from 2 submitters: Uncertain significance (2). Last evaluated 2023-12-08.

Conditions:
Rubinstein-Taybi syndrome due to CREBBP mutations (RSTS1). Also called: BROAD THUMBS AND GREAT TOES, CHARACTERISTIC FACIES, AND IMPAIRED INTELLECTUAL DEVELOPMENT; BROAD THUMB-HALLUX SYNDROME; CREBBP-Related Rubinstein-Taybi Syndrome; RUBINSTEIN SYNDROME; RUBINSTEIN-TAYBI SYNDROME 1, INCOMPLETE; Rubinstein-Taybi syndrome 1. Identifiers: Orphanet 353277, Orphanet 783, MedGen C4551859, MONDO:0008393, OMIM 180849.

Submissions (2):

Baylor Genetics
Classification: Uncertain significance for Rubinstein-Taybi syndrome due to CREBBP mutations. Last evaluated: 2023-12-08. Review status: criteria provided, single submitter. Criteria: ACMG Guidelines, 2015. Collection method: clinical testing. Allele origin: unknown.

GeneDx
Classification: Uncertain significance. Last evaluated: 2023-08-15. Review status: criteria provided, single submitter. Criteria: GeneDx Variant Classification Process June 2021. Collection method: clinical testing. Allele origin: germline. Affected: yes.
Comment: Not observed at significant frequency in large population cohorts (gnomAD); In silico analysis supports that this missense variant does not alter protein structure/function; Has not been previously published as pathogenic or benign to our knowledge

NM_004380.3(CREBBP):c.3839T>A (p.Phe1280Tyr)

Gene: CREBBP (CREB binding lysine acetyltransferase; minus strand). Cytogenetic location: 16p13.3.
Variant type: single nucleotide variant.
Coding change: c.3839T>A on transcript NM_004380.3 (MANE Select); coding-DNA position 3839, T replaced by A.
Protein change: p.Phe1280Tyr; replaces phenylalanine 1280 with tyrosine.
Molecular consequence: missense variant.
Genome position (GRCh38, 1-based): chr16:3,745,352, A>T on the plus strand (T>A on the coding strand, the complement: CREBBP is on the minus strand). VCF-style: chr16-3745352-A-T. GRCh37 (hg19) VCF-style: chr16-3795353-A-T.
Other names: c.3725T>A, p.Phe1242Tyr (NM_001079846.1); c.3839T>A (NM_004380.2); short protein forms F1242Y, F1280Y.
Identifiers: ClinVar variation 2582438 (VCV002582438.3), dbSNP rs2151355973, ClinGen allele CA394566889.